The following is an entry in ClinVar:

ClinVar aggregate classification (germline): Uncertain significance (1 of 4 stars; one submission).

gnomAD v4.1: 3 of 1,614,102 alleles (0.00019%); highest among the groups gnomAD compares: Non-Finnish European, 0.00017%; no homozygotes.

Submission:

Labcorp Genetics (formerly Invitae), Labcorp
Classification: Uncertain significance. Last evaluated: 2025-03-31. Review status: criteria provided, single submitter. Criteria: Invitae Variant Classification Sherloc (09022015). Collection method: clinical testing. Allele origin: germline.
Comment: This sequence change replaces asparagine, which is neutral and polar, with serine, which is neutral and polar, at codon 390 of the ABCB6 protein (p.Asn390Ser). This variant is not present in population databases (gnomAD no frequency). This variant has not been reported in the literature in individuals affected with ABCB6-related conditions. ClinVar contains an entry for this variant (Variation ID: 2882015). An algorithm developed to predict the effect of missense changes on protein structure and function outputs the following: PolyPhen-2: "Benign". The serine amino acid residue is found in multiple mammalian species, which suggests that this missense change does not adversely affect protein function. In summary, the available evidence is currently insufficient to determine the role of this variant in disease. Therefore, it has been classified as a Variant of Uncertain Significance.

NM_005689.4(ABCB6):c.1169A>G (p.Asn390Ser)

Gene: ABCB6 (ATP binding cassette subfamily B member 6 (LAN blood group); minus strand). Cytogenetic location: 2q35.
Variant type: single nucleotide variant.
Coding change: c.1169A>G on transcript NM_005689.4 (MANE Select); coding-DNA position 1169, A replaced by G.
Protein change: p.Asn390Ser; replaces asparagine 390 with serine.
Molecular consequence: missense variant.
Genome position (GRCh38, 1-based): chr2:219,215,068, T>C on the plus strand (A>G on the coding strand, the complement: ABCB6 is on the minus strand). VCF-style: chr2-219215068-T-C. GRCh37 (hg19) VCF-style: chr2-220079790-T-C.
Other names: c.1031A>G, p.Asn344Ser (NM_001349828.2); short protein forms N344S, N390S.
Identifiers: ClinVar variation 2882015 (VCV002882015.3), dbSNP rs752280190, ClinGen allele CA350637389.